The following is an entry in ClinVar:

NM_000218.3(KCNQ1):c.1128+5G>C

Gene: KCNQ1 (potassium voltage-gated channel subfamily Q member 1; plus strand). Cytogenetic location: 11p15.5.
Variant type: single nucleotide variant.
Coding change: c.1128+5G>C on transcript NM_000218.3 (MANE Select); 5 bases into the intron after coding-DNA position 1128, G replaced by C.
Molecular consequence: intron variant.
Genome position (GRCh38, 1-based): chr11:2,585,312, G>C. VCF-style: chr11-2585312-G-C. GRCh37 (hg19) VCF-style: chr11-2606542-G-C.
Other names: c.858+5G>C (NM_001406837.1); c.1032+1767G>C (NM_001406836.1); c.588+1767G>C (NM_001406838.1); c.747+5G>C (NM_181798.2).
Identifiers: ClinVar variation 1799499 (VCV001799499.9), dbSNP rs76735093, ClinGen allele CA2580082618.
Genomic context (GRCh38, chr11:2,585,312, plus strand): 5'-AGCAGAGGCAGAAGCACTTCAACCGGCAGATCCCGGCGGCAGCCTCACTCATTCAGGTGC[G>C]GTGCCTGCAAGGCCCTGGTCACTGTCATTTTGGTCACTGTTATTGTTGCATCCAGCCCTC-3'

ClinVar aggregate classification (germline): Uncertain significance. Review status: criteria provided, multiple submitters, no conflicts (2 of 4 stars). 3 submissions from 3 submitters: Uncertain significance (3). Last evaluated 2026-08-25.

Conditions:
Long QT syndrome (LQTS). Identifiers: MedGen C0023976, MeSH D008133, MONDO:0002442. Disease mechanism: loss of function. Inheritance: Various modes of inheritance.
Cardiovascular phenotype. Identifiers: MedGen CN230736.

Submissions (3):

Ambry Genetics
Classification: Uncertain significance for Cardiovascular phenotype. Last evaluated: 2026-08-25. Review status: criteria provided, single submitter. Criteria: Ambry Variant Classification Scheme 2023. Collection method: clinical testing. Allele origin: germline.
Comment: The c.1128+5G>C intronic variant results from a G to C substitution 5 nucleotides after coding exon 8 in the KCNQ1 gene. This nucleotide position is well conserved in available vertebrate species. In silico splice site analysis predicts that this alteration may weaken the native splice donor site. Based on the available evidence, the clinical significance of this variant remains unclear.

All of Us Research Program, National Institutes of Health
Classification: Uncertain significance for Long QT syndrome. Last evaluated: 2023-02-24. Review status: criteria provided, single submitter. Criteria: ACMG Guidelines, 2015. Collection method: clinical testing. Allele origin: germline. Inheritance: Autosomal dominant inheritance. Observed: 1 variant allele, 1 heterozygote.
Comment: This variant causes a G to C nucleotide substitution at the +5 position of intron 8 of the KCNQ1 gene. Splice site prediction tools predict that this variant may have a significant impact on RNA splicing. To our knowledge, functional studies have not been reported for this variant. This variant has not been reported in individuals affected with KCNQ1-related disorders in the literature. This variant has not been identified in the general population by the Genome Aggregation Database (gnomAD). The available evidence is insufficient to determine the role of this variant in disease conclusively. Therefore, this variant is classified as a Variant of Uncertain Significance.

This study involves interpretation of variants in research participants for the purpose of population health screening. Participant phenotype was not available at the time of variant classification. Additional details can be found in publication PMID: 35346344, PMCID: PMC8962531

Labcorp Genetics (formerly Invitae), Labcorp
Classification: Uncertain significance for Long QT syndrome. Last evaluated: 2022-01-23. Review status: criteria provided, single submitter. Criteria: Invitae Variant Classification Sherloc (09022015). Collection method: clinical testing. Allele origin: germline.
Comment: In summary, the available evidence is currently insufficient to determine the role of this variant in disease. Therefore, it has been classified as a Variant of Uncertain Significance. Variants that disrupt the consensus splice site are a relatively common cause of aberrant splicing (PMID: 17576681, 9536098). Algorithms developed to predict the effect of sequence changes on RNA splicing suggest that this variant may disrupt the consensus splice site. This variant has been observed in individual(s) with clinical features of KCNQ1-related conditions (Invitae). This variant is not present in population databases (gnomAD no frequency). This sequence change falls in intron 8 of the KCNQ1 gene. It does not directly change the encoded amino acid sequence of the KCNQ1 protein. It affects a nucleotide within the consensus splice site.

Literature cited by the submitters: PubMed 17576681 (cited by Labcorp Genetics (formerly Invitae), Labcorp); PubMed 9536098 (cited by Labcorp Genetics (formerly Invitae), Labcorp).